The following is an entry in ClinVar:

ClinVar aggregate classification (germline): Pathogenic (1 of 4 stars; one submission).

Conditions:
Dystonia 5 (DRD). Also called: DYSTONIA, PROGRESSIVE, WITH DIURNAL VARIATION; DYSTONIA-PARKINSONISM WITH DIURNAL FLUCTUATION; Dystonia, DOPA-responsive, with or without hyperphenylalaninemia; GTP Cyclohydrolase 1-Deficient Dopa-Responsive Dystonia; DYT-GCH1. Identifiers: Orphanet 98808, MedGen C1851920, MONDO:0007495, OMIM 128230.
GTP cyclohydrolase I deficiency. Identifiers: MedGen C0268467, MONDO:0100184.

Submission:

Labcorp Genetics (formerly Invitae), Labcorp
Classification: Pathogenic for GTP cyclohydrolase I deficiency; Dystonia 5, Dopa-responsive type. Last evaluated: 2019-05-16. Review status: criteria provided, single submitter. Criteria: Invitae Variant Classification Sherloc (09022015). Collection method: clinical testing. Allele origin: germline.
Comment: This variant is a gross deletion of the genomic region encompassing exon 1 of the GCH1 gene, which includes the initiator codon. The 5' end of this event is unknown as it extends beyond the assayed region for this gene and therefore may encompass additional genes. The 3' boundary is likely confined to intron 1 of the GCH1 gene. This is expected to result in an absent or disrupted protein product. Deletion of exon 1 has been reported in individuals affected with dopa-responsive dystonia (PMID: 12473771, 26400349). In one case, it was shown to be inherited from an unaffected parent (PMID: 12473771). Loss-of-function variants in GCH1 are known to be pathogenic (PMID: 19491146). For these reasons, this variant has been classified as Pathogenic.

Literature cited by the submitters: PubMed 26400349; PubMed 12473771.

NC_000014.9:g.(?_54902311)_(54902702_?)del

Gene: GCH1 (GTP cyclohydrolase 1; minus strand). Cytogenetic location: 14q22.2.
Variant type: Deletion.
Identifiers: ClinVar variation 832331 (VCV000832331.1).